The following is an entry in ClinVar:

NM_020401.4(NUP107):c.553-2A>C

Gene: NUP107 (nucleoporin 107; plus strand). Cytogenetic location: 12q15.
Variant type: single nucleotide variant.
Coding change: c.553-2A>C on transcript NM_020401.4 (MANE Select); the canonical splice acceptor site of the intron before coding-DNA position 553, A replaced by C.
Molecular consequence: splice acceptor variant.
Genome position (GRCh38, 1-based): chr12:68,700,724, A>C. VCF-style: chr12-68700724-A-C. GRCh37 (hg19) VCF-style: chr12-69094504-A-C.
Other names: c.466-2A>C (NM_001330192.2).
Identifiers: ClinVar variation 1964591 (VCV001964591.5), dbSNP rs1876288355, ClinGen allele CA385697417.

ClinVar aggregate classification (germline): Likely pathogenic (1 of 4 stars; one submission).

Submission:

Labcorp Genetics (formerly Invitae), Labcorp
Classification: Likely pathogenic. Last evaluated: 2025-11-08. Review status: criteria provided, single submitter. Criteria: Invitae Variant Classification Sherloc (09022015). Collection method: clinical testing. Allele origin: germline.
Comment: This sequence change affects an acceptor splice site in intron 6 of the NUP107 gene. It is expected to disrupt RNA splicing. Variants that disrupt the donor or acceptor splice site typically lead to a loss of protein function (PMID: 16199547), and loss-of-function variants in NUP107 are known to be pathogenic (PMID: 27190346). This variant is not present in population databases (gnomAD no frequency). This variant has not been reported in the literature in individuals affected with NUP107-related conditions. ClinVar contains an entry for this variant (Variation ID: 1964591). Algorithms developed to predict the effect of sequence changes on RNA splicing suggest that this variant may disrupt the consensus splice site. In summary, the currently available evidence indicates that the variant is pathogenic, but additional data are needed to prove that conclusively. Therefore, this variant has been classified as Likely Pathogenic.

Literature cited by the submitters: PubMed 16199547; PubMed 27190346.